The following is an entry in ClinVar:

ClinVar aggregate classification (germline): Uncertain significance. Review status: criteria provided, multiple submitters, no conflicts (2 of 4 stars). 2 submissions from 2 submitters: Uncertain significance (2). Last evaluated 2026-04-04.

Conditions:
Pulmonary fibrosis and/or bone marrow failure, Telomere-related, 3. Also called: PULMONARY FIBROSIS AND/OR BONE MARROW FAILURE SYNDROME, TELOMERE-RELATED, 3. Identifiers: Orphanet 2032, MedGen C4225346, MONDO:0014613, OMIM 616373.
Dyskeratosis congenita, autosomal recessive 5 (DKCB5). Identifiers: MedGen C3554656, MONDO:0014076, OMIM 615190.
Inborn genetic diseases. Identifiers: MedGen C0950123, MeSH D030342.

Submissions (2):

Ambry Genetics
Classification: Uncertain significance for Inborn genetic diseases. Last evaluated: 2026-04-04. Review status: criteria provided, single submitter. Criteria: Ambry Variant Classification Scheme 2023. Collection method: clinical testing. Allele origin: germline.
Comment: The p.A328D variant (also known as c.983C>A), located in coding exon 11 of the RTEL1 gene, results from a C to A substitution at nucleotide position 983. The alanine at codon 328 is replaced by aspartic acid, an amino acid with dissimilar properties. This amino acid position is conserved. In addition, the in silico prediction for this alteration is inconclusive. Based on the available evidence, the clinical significance of this variant remains unclear.

Labcorp Genetics (formerly Invitae), Labcorp
Classification: Uncertain significance for Dyskeratosis congenita, autosomal recessive 5; Pulmonary fibrosis and/or bone marrow failure, Telomere-related, 3. Last evaluated: 2023-08-24. Review status: criteria provided, single submitter. Criteria: Invitae Variant Classification Sherloc (09022015). Collection method: clinical testing. Allele origin: germline.
Comment: In summary, the available evidence is currently insufficient to determine the role of this variant in disease. Therefore, it has been classified as a Variant of Uncertain Significance. An algorithm developed to predict the effect of missense changes on protein structure and function (PolyPhen-2) suggests that this variant is likely to be disruptive. ClinVar contains an entry for this variant (Variation ID: 1367514). This variant has not been reported in the literature in individuals affected with RTEL1-related conditions. This variant is not present in population databases (gnomAD no frequency). This sequence change replaces alanine, which is neutral and non-polar, with aspartic acid, which is acidic and polar, at codon 328 of the RTEL1 protein (p.Ala328Asp).

NM_001283009.2(RTEL1):c.983C>A (p.Ala328Asp)

Genes: RTEL1 (regulator of telomere elongation helicase 1; plus strand), RTEL1-TNFRSF6B (RTEL1-TNFRSF6B readthrough (NMD candidate); plus strand). Cytogenetic location: 20q13.33.
Variant type: single nucleotide variant.
Coding change: c.983C>A on transcript NM_001283009.2 (MANE Select); coding-DNA position 983, C replaced by A.
Protein change: p.Ala328Asp; replaces alanine 328 with aspartic acid.
Molecular consequence: missense variant. On other transcripts: non-coding transcript variant (1).
Genome position (GRCh38, 1-based): chr20:63,678,292, C>A. VCF-style: chr20-63678292-C-A. GRCh37 (hg19) VCF-style: chr20-62309645-C-A.
Other names: c.314C>A, p.Ala105Asp (NM_001283010.1); c.983C>A, p.Ala328Asp (NM_016434.4); c.1055C>A, p.Ala352Asp (NM_032957.5); short protein forms A352D, A105D, A328D.
Identifiers: ClinVar variation 1367514 (VCV001367514.13), dbSNP rs561033103, ClinGen allele CA409673525.